The following is an entry in ClinVar:

NM_001267550.2(TTN):c.54812T>G (p.Phe18271Cys)

Genes: TTN (titin; minus strand), TTN-AS1 (TTN antisense RNA 1; plus strand). Cytogenetic location: 2q31.2.
Variant type: single nucleotide variant.
Coding change: c.54812T>G on transcript NM_001267550.2 (MANE Select); coding-DNA position 54812, T replaced by G.
Protein change: p.Phe18271Cys; replaces phenylalanine 18271 with cysteine.
Molecular consequence: missense variant.
Genome position (GRCh38, 1-based): chr2:178,602,590, A>C on the plus strand (T>G on the coding strand, the complement: TTN is on the minus strand). VCF-style: chr2-178602590-A-C. GRCh37 (hg19) VCF-style: chr2-179467317-A-C.
Other names: c.49889T>G, p.Phe16630Cys (NM_001256850.1); c.27617T>G, p.Phe9206Cys (NM_003319.4); c.27992T>G, p.Phe9331Cys (NM_133432.3); c.28193T>G, p.Phe9398Cys (NM_133437.4); c.47108T>G, p.Phe15703Cys (NM_133378.4); short protein forms F15703C, F18271C, F9206C, F9331C, F9398C, F16630C.
Identifiers: ClinVar variation 165973 (VCV000165973.5), dbSNP rs727503601, ClinGen allele CA178727.

ClinVar aggregate classification (germline): Uncertain significance (1 of 4 stars; one submission).

Submission:

Laboratory for Molecular Medicine, Mass General Brigham Personalized Medicine
Classification: Uncertain significance. Last evaluated: 2014-06-30. Review status: criteria provided, single submitter. Criteria: LMM Criteria. Collection method: clinical testing. Allele origin: germline. Observed: 1 variant allele.
Comment: The Phe15703Cys variant in TTN has not been previously reported in individuals w ith cardiomyopathy. Data from large population studies is insufficient to assess the frequency of this variant. Phenylalanine at position 15703 is not conserved in mammals or evolutionarily distant species, raising the possibility that a ch ange at this position may be tolerated. Additional computational prediction too ls do not provide strong support for or against an impact to the protein. In ad dition, this variant is located in the first base of the exon, which is part of the 3? splice region. Computational tools do not suggest an impact to splicing, though this information is not predictive enough to rule out pathogenicity. In s ummary, the clinical significance of the Phe15703Cys variant is uncertain.